The following is an entry in ClinVar:

ClinVar aggregate classification (germline): Uncertain significance (1 of 4 stars; one submission).

Submission:

Labcorp Genetics (formerly Invitae), Labcorp
Classification: Uncertain significance. Last evaluated: 2022-08-19. Review status: criteria provided, single submitter. Criteria: Invitae Variant Classification Sherloc (09022015). Collection method: clinical testing. Allele origin: germline.
Comment: This sequence change replaces cysteine, which is neutral and slightly polar, with tyrosine, which is neutral and polar, at codon 123 of the EPRS protein (p.Cys123Tyr). This variant is not present in population databases (gnomAD no frequency). This variant has not been reported in the literature in individuals affected with EPRS-related conditions. Algorithms developed to predict the effect of missense changes on protein structure and function are either unavailable or do not agree on the potential impact of this missense change (SIFT: "Deleterious"; PolyPhen-2: "Benign"; Align-GVGD: "Class C0"). In summary, the available evidence is currently insufficient to determine the role of this variant in disease. Therefore, it has been classified as a Variant of Uncertain Significance.

NM_004446.3(EPRS1):c.368G>A (p.Cys123Tyr)

Gene: EPRS1 (glutamyl-prolyl-tRNA synthetase 1; minus strand). Cytogenetic location: 1q41.
Variant type: single nucleotide variant.
Coding change: c.368G>A on transcript NM_004446.3 (MANE Select); coding-DNA position 368, G replaced by A.
Protein change: p.Cys123Tyr; replaces cysteine 123 with tyrosine.
Molecular consequence: missense variant.
Genome position (GRCh38, 1-based): chr1:220,033,522, C>T on the plus strand (G>A on the coding strand, the complement: EPRS1 is on the minus strand). VCF-style: chr1-220033522-C-T. GRCh37 (hg19) VCF-style: chr1-220206864-C-T.
Other names: short protein forms C123Y.
Identifiers: ClinVar variation 2024708 (VCV002024708.1), dbSNP rs2528046493, ClinGen allele CA344638654.